The following is an entry in ClinVar:

ClinVar aggregate classification (germline): Likely benign (0 of 4 stars; one submission).

Conditions:
MYH7B-related disorder. Also called: MYH7B-related condition.

Allele frequency attached by ClinVar (database versions not stated): gnomAD 0.00001; TOPMed 0.00001; ExAC 0.00002; gnomAD exomes 0.00002.
gnomAD v4.1: 39 of 1,613,628 alleles (0.0024%); highest among the groups gnomAD compares: South Asian, 0.019%; no homozygotes.

Submission:

PreventionGenetics, part of Exact Sciences
Classification: Likely benign for MYH7B-related condition. Last evaluated: 2019-04-30. Review status: no assertion criteria provided. Collection method: clinical testing. Allele origin: germline.
Comment: This variant is classified as likely benign based on ACMG/AMP sequence variant interpretation guidelines (Richards et al. 2015 PMID: 25741868, with internal and published modifications).

NM_020884.7(MYH7B):c.4617G>A (p.Ala1539=)

Gene: MYH7B (myosin heavy chain 7B; plus strand). Cytogenetic location: 20q11.22.
Variant type: single nucleotide variant.
Coding change: c.4617G>A on transcript NM_020884.7 (MANE Select); coding-DNA position 4617, G replaced by A.
Protein change: p.Ala1539=; no amino-acid change (alanine 1539 retained).
Molecular consequence: synonymous variant.
Genome position (GRCh38, 1-based): chr20:34,999,647, G>A. VCF-style: chr20-34999647-G-A. GRCh37 (hg19) VCF-style: chr20-33587450-G-A.
Identifiers: ClinVar variation 3055329 (VCV003055329.2), dbSNP rs761516956, ClinGen allele CA9828173.